The following is an entry in ClinVar:

NM_058216.3(RAD51C):c.1077A>G (p.Thr359=)

Gene: RAD51C (RAD51 paralog C; plus strand). Cytogenetic location: 17q22.
Variant type: single nucleotide variant.
Coding change: c.1077A>G on transcript NM_058216.3 (MANE Select); coding-DNA position 1077, A replaced by G.
Protein change: p.Thr359=; no amino-acid change (threonine 359 retained).
Molecular consequence: synonymous variant. On other transcripts: non-coding transcript variant (1).
Genome position (GRCh38, 1-based): chr17:58,734,168, A>G. VCF-style: chr17-58734168-A-G. GRCh37 (hg19) VCF-style: chr17-56811529-A-G.
Identifiers: ClinVar variation 484749 (VCV000484749.13), dbSNP rs763424319, ClinGen allele CA8677410.

ClinVar aggregate classification (germline): Benign/Likely benign. Review status: criteria provided, multiple submitters, no conflicts (2 of 4 stars). 3 submissions from 3 submitters: Benign (1); Likely benign (2). Last evaluated 2025-02-19.

Conditions:
Hereditary cancer-predisposing syndrome. Also called: Hereditary neoplastic syndrome; Neoplastic Syndromes, Hereditary; Tumor predisposition; Hereditary Cancer Syndrome. Identifiers: Orphanet 140162, MedGen C0027672, MeSH D009386, MONDO:0015356.
Breast-ovarian cancer, familial, susceptibility to, 3. Also called: RAD51C-Related Breast/Ovarian Cancer. Identifiers: Orphanet 145, MedGen C3150659, MONDO:0013253, OMIM 613399.
Fanconi anemia complementation group O. Also called: RAD51C-Related Fanconi Anemia. Identifiers: Orphanet 84, MedGen C3150653, MONDO:0013248, OMIM 613390.

Allele frequency attached by ClinVar (database versions not stated): gnomAD exomes below 0.00001; TOPMed below 0.00001; ExAC 0.00001; gnomAD 0.00001.
gnomAD v4.1: 3 of 1,613,732 alleles (0.00019%); highest among the groups gnomAD compares: African/African-American, 0.0027%; no homozygotes.

Submissions (3):

Myriad Genetics, Inc.
Classification: Benign for Breast-ovarian cancer, familial, susceptibility to, 3. Last evaluated: 2025-02-19. Review status: criteria provided, single submitter. Criteria: Myriad Autosomal Dominant, Autosomal Recessive and X-Linked Classification Criteria (2023). Collection method: clinical testing. Allele origin: unknown.
Comment: This variant is considered benign. This variant is a silent/synonymous amino acid change and it is not expected to impact splicing.

Labcorp Genetics (formerly Invitae), Labcorp
Classification: Likely benign for Fanconi anemia complementation group O. Last evaluated: 2022-09-27. Review status: criteria provided, single submitter. Criteria: Invitae Variant Classification Sherloc (09022015). Collection method: clinical testing. Allele origin: germline.

Ambry Genetics
Classification: Likely benign for Hereditary cancer-predisposing syndrome. Last evaluated: 2017-02-17. Review status: criteria provided, single submitter. Criteria: Ambry Variant Classification Scheme 2023. Collection method: clinical testing. Allele origin: germline.